The following is an entry in ClinVar:

NM_001010867.4(IBA57):c.23G>A (p.Arg8Gln)

Gene: IBA57 (iron-sulfur cluster assembly factor IBA57; plus strand). Cytogenetic location: 1q42.13.
Variant type: single nucleotide variant.
Coding change: c.23G>A on transcript NM_001010867.4 (MANE Select); coding-DNA position 23, G replaced by A.
Protein change: p.Arg8Gln; replaces arginine 8 with glutamine.
Molecular consequence: missense variant.
Genome position (GRCh38, 1-based): chr1:228,165,839, G>A. VCF-style: chr1-228165839-G-A. GRCh37 (hg19) VCF-style: chr1-228353540-G-A.
Other names: c.23G>A (NM_001010867.2); short protein forms R8Q.
Identifiers: ClinVar variation 1507732 (VCV001507732.5), dbSNP rs765179856, ClinGen allele CA1431051.

ClinVar aggregate classification (germline): Uncertain significance. Review status: criteria provided, multiple submitters, no conflicts (2 of 4 stars). 3 submissions from 3 submitters: Uncertain significance (3). Last evaluated 2024-01-17.

Conditions:
Multiple mitochondrial dysfunctions syndrome 3 (MMDS3). Identifiers: Orphanet 363424, MedGen C3809165, MONDO:0014132, OMIM 615330.
Hereditary spastic paraplegia 74. Also called: Spastic paraplegia 74, autosomal recessive. Identifiers: Orphanet 468661, MedGen C5568837, MONDO:0014644, OMIM 616451.
Inborn genetic diseases. Identifiers: MedGen C0950123, MeSH D030342.

Allele frequency attached by ClinVar (database versions not stated): gnomAD exomes 0.00007 and 0.00016; gnomAD 0.00022 and 0.00027; TOPMed 0.00032; ExAC 0.00054.
gnomAD v4.1: 110 of 1,306,458 alleles (0.0084%); highest among the groups gnomAD compares: African/African-American, 0.076%; no homozygotes.

Submissions (3):

Ambry Genetics
Classification: Uncertain significance for Inborn genetic diseases. Last evaluated: 2024-01-17. Review status: criteria provided, single submitter. Criteria: Ambry Variant Classification Scheme 2023. Collection method: clinical testing. Allele origin: germline.

Labcorp Genetics (formerly Invitae), Labcorp
Classification: Uncertain significance for Multiple mitochondrial dysfunctions syndrome 3; Hereditary spastic paraplegia 74. Last evaluated: 2021-12-02. Review status: criteria provided, single submitter. Criteria: Invitae Variant Classification Sherloc (09022015). Collection method: clinical testing. Allele origin: germline.
Comment: This sequence change replaces arginine, which is basic and polar, with glutamine, which is neutral and polar, at codon 8 of the IBA57 protein (p.Arg8Gln). This variant is present in population databases (rs765179856, gnomAD 0.07%). This variant has not been reported in the literature in individuals affected with IBA57-related conditions. Algorithms developed to predict the effect of missense changes on protein structure and function are either unavailable or do not agree on the potential impact of this missense change (SIFT: "Tolerated"; PolyPhen-2: "Probably Damaging"; Align-GVGD: "Class C0"). In summary, the available evidence is currently insufficient to determine the role of this variant in disease. Therefore, it has been classified as a Variant of Uncertain Significance.

Breakthrough Genomics
Classification: Uncertain significance. Review status: criteria provided, single submitter. Criteria: ACMG Guidelines, 2015. Collection method: not provided. Allele origin: germline. Inheritance: Autosomal recessive inheritance. Affected: yes.